The following is an entry in ClinVar:

NM_004304.5(ALK):c.2526C>T (p.Ala842=)

Gene: ALK (ALK receptor tyrosine kinase; minus strand). Cytogenetic location: 2p23.2.
Variant type: single nucleotide variant.
Coding change: c.2526C>T on transcript NM_004304.5 (MANE Select); coding-DNA position 2526, C replaced by T.
Protein change: p.Ala842=; no amino-acid change (alanine 842 retained).
Molecular consequence: synonymous variant.
Genome position (GRCh38, 1-based): chr2:29,232,410, G>A on the plus strand (C>T on the coding strand, the complement: ALK is on the minus strand). VCF-style: chr2-29232410-G-A. GRCh37 (hg19) VCF-style: chr2-29455276-G-A.
Identifiers: ClinVar variation 239807 (VCV000239807.47), dbSNP rs145271283, ClinGen allele CA1594272.
Genomic context (GRCh38, chr2:29,232,410, plus strand): 5'-CTCCAGTCTCTCTGGGTGGAACGTGTCTGTCTTGGCCCCGTAGGCCCTGCCACCACCTCC[G>A]GCTGCAATGATCAGGGGCACCGGCACTCCATCCTTCATCTGACCAGGGGAGACATTCAGA-3'
Protein context (NP_004295.2, residues 832-852): DGVPVPLIIA[Ala842=]GGGGRAYGAK

ClinVar aggregate classification (germline): Benign/Likely benign. Review status: criteria provided, multiple submitters, no conflicts (2 of 4 stars). 8 submissions from 8 submitters: Benign (4); Likely benign (4). Last evaluated 2026-01-26.

Conditions:
Hereditary cancer-predisposing syndrome. Also called: Tumor predisposition; Hereditary Cancer Syndrome; Neoplastic Syndromes, Hereditary; Hereditary neoplastic syndrome. Identifiers: Orphanet 140162, MedGen C0027672, MeSH D009386, MONDO:0015356.
Neuroblastoma, susceptibility to, 3. Also called: ALK-Related Neuroblastic Tumor Susceptibility. Identifiers: Orphanet 635, MedGen C2751681, MONDO:0013083, OMIM 613014.

Allele frequency attached by ClinVar (database versions not stated): 1000 Genomes Project 0.00020; ESP Exome Variant Server 0.00023; gnomAD 0.00029 and 0.00031; 1000 Genomes Project 30x 0.00031; gnomAD exomes 0.00038 and 0.00070; TOPMed 0.00038; ExAC 0.00064.
gnomAD v4.1: 616 of 1,614,270 alleles (0.038%); highest among the groups gnomAD compares: Middle Eastern, 0.25%; 2 homozygotes.

Submissions (8):

Labcorp Genetics (formerly Invitae), Labcorp
Classification: Benign for Neuroblastoma, susceptibility to, 3. Last evaluated: 2026-01-26. Review status: criteria provided, single submitter. Criteria: Invitae Variant Classification Sherloc (09022015). Collection method: clinical testing. Allele origin: germline.

CeGaT Center for Human Genetics Tuebingen
Classification: Likely benign. Last evaluated: 2025-08-01. Review status: criteria provided, single submitter. Criteria: CeGaT Center For Human Genetics Tuebingen Variant Classification Criteria Version 2. Collection method: clinical testing. Allele origin: germline. Affected: yes. Observed: 6 variant alleles.
Comment: ALK: BP4, BP7

Blueprint Genetics
Classification: Likely benign. Last evaluated: 2024-11-14. Review status: criteria provided, single submitter. Criteria: ACMG Guidelines, 2015. Collection method: clinical testing. Allele origin: germline.

KCCC/NGS Laboratory, Kuwait Cancer Control Center
Classification: Benign for Neuroblastoma, susceptibility to, 3. Last evaluated: 2023-07-07. Review status: criteria provided, single submitter. Criteria: ACMG Guidelines, 2015. Collection method: clinical testing. Allele origin: germline. Affected: yes.

Sema4
Classification: Benign for Hereditary cancer-predisposing syndrome. Last evaluated: 2020-10-16. Review status: criteria provided, single submitter. Criteria: Sema4 Curation Guidelines. Collection method: curation. Allele origin: germline.

Ambry Genetics
Classification: Likely benign for Hereditary cancer-predisposing syndrome. Last evaluated: 2018-11-10. Review status: criteria provided, single submitter. Criteria: Ambry Variant Classification Scheme 2023. Collection method: clinical testing. Allele origin: germline.

Illumina Laboratory Services, Illumina
Classification: Benign for Neuroblastoma, susceptibility to, 3. Last evaluated: 2018-01-13. Review status: criteria provided, single submitter. Criteria: ICSL Variant Classification Criteria 13 December 2019. Collection method: clinical testing. Allele origin: germline.
Comment: This variant was observed in the ICSL laboratory as part of a predisposition screen in an ostensibly healthy population. It had not been previously curated by ICSL or reported in the Human Gene Mutation Database (HGMD: prior to June 1st, 2018), and was therefore a candidate for classification through an automated scoring system. Utilizing variant allele frequency, disease prevalence and penetrance estimates, and inheritance mode, an automated score was calculated to assess if this variant is too frequent to cause the disease. Based on the score and internal cut-off values, a variant classified as benign is not then subjected to further curation. The score for this variant resulted in a classification of benign for this disease.

Breakthrough Genomics
Classification: Likely benign. Review status: criteria provided, single submitter. Criteria: ACMG Guidelines, 2015. Collection method: not provided. Allele origin: germline. Inheritance: Unknown mechanism. Affected: yes.